The following is an entry in ClinVar:

ClinVar aggregate classification (germline): Uncertain significance (1 of 4 stars; one submission).

Conditions:
Hereditary cancer-predisposing syndrome. Also called: Neoplastic Syndromes, Hereditary; Tumor predisposition; Hereditary Cancer Syndrome; Hereditary neoplastic syndrome. Identifiers: Orphanet 140162, MedGen C0027672, MeSH D009386, MONDO:0015356.

Submission:

Color Diagnostics, LLC DBA Color Health
Classification: Uncertain significance for Hereditary cancer-predisposing syndrome. Last evaluated: 2024-02-18. Review status: criteria provided, single submitter. Criteria: ACMG Guidelines, 2015. Collection method: clinical testing. Allele origin: germline.
Comment: This missense variant replaces tyrosine with asparagine at codon 352 of the BRCA2 protein. Computational prediction suggests that this variant may not impact protein structure and function (internally defined REVEL score threshold <= 0.5, PMID: 27666373). To our knowledge, functional studies have not been reported for this variant. This variant has not been reported in individuals affected with BRCA2-related disorders in the literature. This variant has not been identified in the general population by the Genome Aggregation Database (gnomAD). The available evidence is insufficient to determine the role of this variant in disease conclusively. Therefore, this variant is classified as a Variant of Uncertain Significance.

NM_000059.4(BRCA2):c.1054T>A (p.Tyr352Asn)

Gene: BRCA2 (BRCA2 DNA repair associated; plus strand). Cytogenetic location: 13q13.1.
Variant type: single nucleotide variant.
Coding change: c.1054T>A on transcript NM_000059.4 (MANE Select); coding-DNA position 1054, T replaced by A.
Protein change: p.Tyr352Asn; replaces tyrosine 352 with asparagine.
Molecular consequence: missense variant. On other transcripts: non-coding transcript variant (1), intron variant (1).
Genome position (GRCh38, 1-based): chr13:32,332,532, T>A. VCF-style: chr13-32332532-T-A. GRCh37 (hg19) VCF-style: chr13-32906669-T-A.
Other names: c.1054T>A, p.Tyr352Asn (NM_001432077.1, NM_001406719.1, NM_001406720.1 and 1 more transcripts); c.424+1502T>A (NM_001406722.1); short protein forms Y352N.
Identifiers: ClinVar variation 3894482 (VCV003894482.1).